The following is an entry in ClinVar:

ClinVar aggregate classification (germline): Uncertain significance (1 of 4 stars; one submission).

Conditions:
Cardiovascular phenotype. Identifiers: MedGen CN230736.

gnomAD v4.1: 3 of 1,614,054 alleles (0.00019%); highest among the groups gnomAD compares: African/African-American, 0.0013%; no homozygotes.

Submission:

Ambry Genetics
Classification: Uncertain significance for Cardiovascular phenotype. Last evaluated: 2024-05-17. Review status: criteria provided, single submitter. Criteria: Ambry Variant Classification Scheme 2023. Collection method: clinical testing. Allele origin: germline.
Comment: The p.N529D variant (also known as c.1585A>G), located in coding exon 15 of the ANK2 gene, results from an A to G substitution at nucleotide position 1585. The asparagine at codon 529 is replaced by aspartic acid, an amino acid with highly similar properties. This amino acid position is conserved. In addition, this alteration is predicted to be tolerated by in silico analysis. Based on the available evidence, the clinical significance of this variant remains unclear.

NM_001148.6(ANK2):c.1585A>G (p.Asn529Asp)

Gene: ANK2 (ankyrin 2; plus strand). Cytogenetic location: 4q26.
Variant type: single nucleotide variant.
Coding change: c.1585A>G on transcript NM_001148.6 (MANE Select); coding-DNA position 1585, A replaced by G.
Protein change: p.Asn529Asp; replaces asparagine 529 with aspartic acid.
Molecular consequence: missense variant.
Genome position (GRCh38, 1-based): chr4:113,274,551, A>G. VCF-style: chr4-113274551-A-G. GRCh37 (hg19) VCF-style: chr4-114195707-A-G.
Other names: c.1522A>G, p.Asn508Asp (NM_001127493.3, NM_001354239.2, NM_001354243.2 and 14 more transcripts); c.1585A>G, p.Asn529Asp (NM_001354225.2, NM_001354228.2, NM_001354232.2 and 8 more transcripts); c.1630A>G, p.Asn544Asp (NM_001354230.2, NM_001354231.2, NM_001354237.2 and 5 more transcripts); c.1498A>G, p.Asn500Asp (NM_001354249.2, NM_001354260.2, NM_001354264.2 and 13 more transcripts); c.1543A>G, p.Asn515Asp (NM_001354261.2, NM_001386147.1, NM_001386160.1); c.1375A>G, p.Asn459Asp (NM_001354269.3); c.1387A>G, p.Asn463Asp (NM_001354273.2); c.1300A>G, p.Asn434Asp (NM_001354277.2, NM_001386157.1, NM_001386158.1); and 4 more; short protein forms N508D, N517D, N529D, N544D, N434D, N459D, N463D, N525D.
Identifiers: ClinVar variation 3295038 (VCV003295038.1).